The following is an entry in ClinVar:

NM_001367624.2(ZNF469):c.11737G>C (p.Gly3913Arg)

Gene: ZNF469 (zinc finger protein 469; plus strand). Cytogenetic location: 16q24.2.
Variant type: single nucleotide variant.
Coding change: c.11737G>C on transcript NM_001367624.2 (MANE Select); coding-DNA position 11737, G replaced by C.
Protein change: p.Gly3913Arg; replaces glycine 3913 with arginine.
Molecular consequence: missense variant.
Genome position (GRCh38, 1-based): chr16:88,439,207, G>C. VCF-style: chr16-88439207-G-C. GRCh37 (hg19) VCF-style: chr16-88505615-G-C.
Other names: NM_001127464.1:c.11653G>C; short protein forms G3913R.
Identifiers: ClinVar variation 3368892 (VCV003368892.1).

ClinVar aggregate classification (germline): Uncertain significance (1 of 4 stars; one submission).

gnomAD v4.1: 1 of 1,550,140 alleles (0.000065%); highest among the groups gnomAD compares: Non-Finnish European, 0.000087%; no homozygotes.

Submission:

GeneDx
Classification: Uncertain significance. Last evaluated: 2024-02-05. Review status: criteria provided, single submitter. Criteria: GeneDx Variant Classification Process June 2021. Collection method: clinical testing. Allele origin: germline. Affected: yes.
Comment: Not observed at significant frequency in large population cohorts (gnomAD); In silico analysis supports that this missense variant does not alter protein structure/function; Has not been previously published as pathogenic or benign to our knowledge